The following is an entry in ClinVar:

NM_001278064.2(GRM1):c.2743G>A (p.Val915Met)

Gene: GRM1 (glutamate metabotropic receptor 1; plus strand). Cytogenetic location: 6q24.3.
Variant type: single nucleotide variant.
Coding change: c.2743G>A on transcript NM_001278064.2 (MANE Select); coding-DNA position 2743, G replaced by A.
Protein change: p.Val915Met; replaces valine 915 with methionine.
Molecular consequence: missense variant. On other transcripts: 3 prime UTR variant (2).
Genome position (GRCh38, 1-based): chr6:146,433,954, G>A. VCF-style: chr6-146433954-G-A. GRCh37 (hg19) VCF-style: chr6-146755090-G-A.
Other names: c.*107G>A (NM_001278065.2); c.*72G>A (NM_001278066.1); c.2708G>A, p.Cys903Tyr (NM_001278067.1); short protein forms C903Y, V915M.
Identifiers: ClinVar variation 1986628 (VCV001986628.4), dbSNP rs1393383317, ClinGen allele CA366192266.
Genomic context (GRCh38, chr6:146,433,954, plus strand): 5'-TGGTCTGAACCAGGTGGAGGACAGGTGCCCAAGGGACAGCATATGTGGCACCGCCTCTCT[G>A]TGCACGTGAAGACCAATGAGACGGCCTGCAACCAAACAGCCGTCATCAAGCCCCTCACTA-3'
Protein context (NP_001264993.1, residues 905-925): KGQHMWHRLS[Val915Met]HVKTNETACN

ClinVar aggregate classification (germline): Uncertain significance (1 of 4 stars; one submission).

gnomAD v4.1: 13 of 1,613,888 alleles (0.00081%); highest among the groups gnomAD compares: Non-Finnish European, 0.0011%; no homozygotes.

Submission:

Labcorp Genetics (formerly Invitae), Labcorp
Classification: Uncertain significance. Last evaluated: 2025-07-09. Review status: criteria provided, single submitter. Criteria: Invitae Variant Classification Sherloc (09022015). Collection method: clinical testing. Allele origin: germline.
Comment: This sequence change replaces valine, which is neutral and non-polar, with methionine, which is neutral and non-polar, at codon 915 of the GRM1 protein (p.Val915Met). This variant is present in population databases (no rsID available, gnomAD 0.03%). This variant has not been reported in the literature in individuals affected with GRM1-related conditions. ClinVar contains an entry for this variant (Variation ID: 1986628). An algorithm developed to predict the effect of missense changes on protein structure and function (PolyPhen-2) suggests that this variant is likely to be tolerated. In summary, the available evidence is currently insufficient to determine the role of this variant in disease. Therefore, it has been classified as a Variant of Uncertain Significance.